The following is an entry in ClinVar:

NM_003235.5(TG):c.2359C>T (p.Arg787Ter)

Gene: TG (thyroglobulin; plus strand). Cytogenetic location: 8q24.22.
Variant type: single nucleotide variant.
Coding change: c.2359C>T on transcript NM_003235.5 (MANE Select); coding-DNA position 2359, C replaced by T.
Protein change: p.Arg787Ter; replaces arginine 787 with a stop codon.
Molecular consequence: nonsense.
Genome position (GRCh38, 1-based): chr8:132,888,166, C>T. VCF-style: chr8-132888166-C-T. GRCh37 (hg19) VCF-style: chr8-133900411-C-T.
Other names: short protein forms R787*.
Identifiers: ClinVar variation 632071 (VCV000632071.12), dbSNP rs752966476, ClinGen allele CA4883390.
Genomic context (GRCh38, chr8:132,888,166, plus strand): 5'-GGGCAGTGGAGACAAGTGCAATGCAATGGGCCTCCTGAGCAGGTCTTCGAGTTGTACCAA[C>T]GATGGGAGGCTCAGAACAAGGGCCAGGATCTGACGCCTGCCAAGCTGCTAGTGAAGATCA-3'

ClinVar aggregate classification (germline): Pathogenic. Review status: criteria provided, multiple submitters, no conflicts (2 of 4 stars). 4 submissions from 4 submitters: Pathogenic (4). Last evaluated 2024-02-07.

Conditions:
Iodotyrosyl coupling defect (TDH3). Also called: HYPOTHYROIDISM, CONGENITAL, DUE TO DYSHORMONOGENESIS, 3; THYROID HORMONOGENESIS, GENETIC DEFECT IN, 3. Identifiers: Orphanet 95716, MedGen C0342194, MONDO:0010135, OMIM 274700.
Autoimmune thyroid disease, susceptibility to, 3. Identifiers: MedGen C1842444, MONDO:0011982, OMIM 608175.

Allele frequency attached by ClinVar (database versions not stated): gnomAD exomes 0.00001 and 0.00003; ExAC 0.00002; gnomAD 0.00002; TOPMed 0.00002.
gnomAD v4.1: 53 of 1,614,020 alleles (0.0033%); highest among the groups gnomAD compares: African/African-American, 0.0053%; no homozygotes.

Submissions (4):

Labcorp Genetics (formerly Invitae), Labcorp
Classification: Pathogenic. Last evaluated: 2024-02-07. Review status: criteria provided, single submitter. Criteria: Invitae Variant Classification Sherloc (09022015). Collection method: clinical testing. Allele origin: germline.
Comment: This sequence change creates a premature translational stop signal (p.Arg787*) in the TG gene. It is expected to result in an absent or disrupted protein product. Loss-of-function variants in TG are known to be pathogenic (PMID: 19837936, 23164529). This variant is present in population databases (rs752966476, gnomAD 0.005%). This premature translational stop signal has been observed in individual(s) with clinical features of thyroid dyshormonogenesis (PMID: 23164529, 23455760). This variant is also known as p.R768X. ClinVar contains an entry for this variant (Variation ID: 632071). For these reasons, this variant has been classified as Pathogenic.

Fulgent Genetics
Classification: Pathogenic for Iodotyrosyl coupling defect; Autoimmune thyroid disease, susceptibility to, 3. Last evaluated: 2023-12-20. Review status: criteria provided, single submitter. Criteria: ACMG Guidelines, 2015. Collection method: clinical testing. Allele origin: germline.

3billion
Classification: Pathogenic for Iodotyrosyl coupling defect. Last evaluated: 2023-08-23. Review status: criteria provided, single submitter. Criteria: ACMG Guidelines, 2015. Collection method: clinical testing. Allele origin: germline. Affected: yes.
Comment: The variant is observed at an extremely low frequency in the gnomAD v2.1.1 dataset (total allele frequency: 0.001%). Predicted Consequence/Location: Stop-gained (nonsense): predicted to result in a loss or disruption of normal protein function through nonsense-mediated decay (NMD) or protein truncation. Multiple pathogenic variants are reported downstream of the variant. The variant has been reported to be associated with TG related disorder (PMID: 23164529). Therefore, this variant is classified as Pathogenic according to the recommendation of ACMG/AMP guideline.

Daryl Scott Lab, Baylor College of Medicine
Classification: Pathogenic for Iodotyrosyl coupling defect. Last evaluated: 2022-02-01. Review status: criteria provided, single submitter. Criteria: ACMG Guidelines, 2015. Collection method: clinical testing. Allele origin: maternal. Observed: 1 variant allele.

Literature cited by the submitters: PubMed 19837936 (cited by Labcorp Genetics (formerly Invitae), Labcorp); PubMed 23164529 (cited by Labcorp Genetics (formerly Invitae), Labcorp and 3billion); PubMed 23455760 (cited by Labcorp Genetics (formerly Invitae), Labcorp); PubMed 36474027 (cited by Daryl Scott Lab, Baylor College of Medicine).